The following is an entry in ClinVar:

NM_153026.3(PRICKLE1):c.364A>G (p.Met122Val)

Gene: PRICKLE1 (prickle planar cell polarity protein 1; minus strand). Cytogenetic location: 12q12.
Variant type: single nucleotide variant.
Coding change: c.364A>G on transcript NM_153026.3 (MANE Select); coding-DNA position 364, A replaced by G.
Protein change: p.Met122Val; replaces methionine 122 with valine.
Molecular consequence: missense variant.
Genome position (GRCh38, 1-based): chr12:42,469,470, T>C on the plus strand (A>G on the coding strand, the complement: PRICKLE1 is on the minus strand). VCF-style: chr12-42469470-T-C. GRCh37 (hg19) VCF-style: chr12-42863272-T-C.
Other names: c.364A>G, p.Met122Val (NM_001144881.2, NM_001144882.2, NM_001144883.2); short protein forms M122V.
Identifiers: ClinVar variation 969350 (VCV000969350.8), dbSNP rs1343849513, ClinGen allele CA384444151.

ClinVar aggregate classification (germline): Uncertain significance. Review status: criteria provided, multiple submitters, no conflicts (2 of 4 stars). 2 submissions from 2 submitters: Uncertain significance (2). Last evaluated 2024-11-24.

Conditions:
Epilepsy, progressive myoclonic, 1B. Also called: PME. Identifiers: Orphanet 308, MedGen C2676254, MONDO:0012904, OMIM 612437.

Allele frequency attached by ClinVar (database versions not stated): gnomAD exomes below 0.00001 and 0.00001; TOPMed below 0.00001.

Submissions (2):

Ambry Genetics
Classification: Uncertain significance. Last evaluated: 2024-11-24. Review status: criteria provided, single submitter. Criteria: Ambry Variant Classification Scheme 2023. Collection method: clinical testing. Allele origin: germline.

Labcorp Genetics (formerly Invitae), Labcorp
Classification: Uncertain significance for Epilepsy, progressive myoclonic, 1B. Last evaluated: 2024-10-16. Review status: criteria provided, single submitter. Criteria: Invitae Variant Classification Sherloc (09022015). Collection method: clinical testing. Allele origin: germline.
Comment: This sequence change replaces methionine, which is neutral and non-polar, with valine, which is neutral and non-polar, at codon 122 of the PRICKLE1 protein (p.Met122Val). This variant is present in population databases (no rsID available, gnomAD 0.0009%). This variant has not been reported in the literature in individuals affected with PRICKLE1-related conditions. ClinVar contains an entry for this variant (Variation ID: 969350). Invitae Evidence Modeling of protein sequence and biophysical properties (such as structural, functional, and spatial information, amino acid conservation, physicochemical variation, residue mobility, and thermodynamic stability) indicates that this missense variant is not expected to disrupt PRICKLE1 protein function with a negative predictive value of 80%. In summary, the available evidence is currently insufficient to determine the role of this variant in disease. Therefore, it has been classified as a Variant of Uncertain Significance.